The following is an entry in ClinVar:

NM_000388.4(CASR):c.123T>G (p.His41Gln)

Gene: CASR (calcium sensing receptor; plus strand). Cytogenetic location: 3q21.1.
Variant type: single nucleotide variant.
Coding change: c.123T>G on transcript NM_000388.4 (MANE Select); coding-DNA position 123, T replaced by G.
Protein change: p.His41Gln; replaces histidine 41 with glutamine.
Molecular consequence: missense variant.
Genome position (GRCh38, 1-based): chr3:122,254,312, T>G. VCF-style: chr3-122254312-T-G. GRCh37 (hg19) VCF-style: chr3-121973159-T-G.
Other names: c.123T>G, p.His41Gln (NM_001178065.2); short protein forms H41Q.
Identifiers: ClinVar variation 4687417 (VCV004687417.1).
Genomic context (GRCh38, chr3:122,254,312, plus strand): 5'-GCCAGACCAGCGAGCCCAAAAGAAGGGGGACATTATCCTTGGGGGGCTCTTTCCTATTCA[T>G]TTTGGAGTAGCAGCTAAAGATCAAGATCTCAAATCAAGGCCGGAGTCTGTGGAATGTATC-3'
Protein context (NP_000379.3, residues 31-51): DIILGGLFPI[His41Gln]FGVAAKDQDL

ClinVar aggregate classification (germline): Uncertain significance (1 of 4 stars; one submission).

Submission:

Women's Health and Genetics/Laboratory Corporation of America, LabCorp
Classification: Uncertain significance. Last evaluated: 2025-10-09. Review status: criteria provided, single submitter. Criteria: LabCorp Variant Classification Summary - May 2015. Collection method: clinical testing. Allele origin: germline.
Comment: Variant summary: CASR c.123T>G (p.His41Gln) results in a non-conservative amino acid change in the encoded protein sequence. Algorithms developed to predict the effect of missense changes on protein structure and function all suggest that this variant is likely to be disruptive. The variant was absent in 251240 control chromosomes. The available data on variant occurrences in the general population are insufficient to allow any conclusion about variant significance. To our knowledge, no occurrence of c.123T>G in individuals affected with CASR-related conditions and no experimental evidence demonstrating its impact on protein function have been reported. No submitters have cited clinical-significance assessments for this variant to ClinVar. Based on the evidence outlined above, the variant was classified as uncertain significance.